The following is an entry in ClinVar:

ClinVar aggregate classification (germline): Pathogenic. Review status: criteria provided, multiple submitters, no conflicts (2 of 4 stars). 2 submissions from 2 submitters: Pathogenic (2). Last evaluated 2024-01-30.

Conditions:
Hereditary cancer-predisposing syndrome. Also called: Hereditary neoplastic syndrome; Neoplastic Syndromes, Hereditary; Tumor predisposition; Hereditary Cancer Syndrome. Identifiers: Orphanet 140162, MedGen C0027672, MeSH D009386, MONDO:0015356.
Familial cancer of breast. Also called: Hereditary breast cancer; hereditary breast carcinoma; BREAST CANCER, FAMILIAL. Identifiers: Orphanet 227535, MedGen C0346153, MONDO:0016419, OMIM 114480. Disease mechanism: loss of function.

Submissions (2):

Myriad Genetics, Inc.
Classification: Pathogenic for Familial cancer of breast. Last evaluated: 2024-01-30. Review status: criteria provided, single submitter. Criteria: Myriad Autosomal Dominant, Autosomal Recessive and X-Linked Classification Criteria (2023). Collection method: clinical testing. Allele origin: unknown.
Comment: This variant is considered pathogenic. This variant creates a termination codon and is predicted to result in premature protein truncation.

Ambry Genetics
Classification: Pathogenic for Hereditary cancer-predisposing syndrome. Last evaluated: 2020-03-25. Review status: criteria provided, single submitter. Criteria: Ambry Variant Classification Scheme 2023. Collection method: clinical testing. Allele origin: germline.
Comment: The c.7011_7012delTCinsAA pathogenic mutation, located in coding exon 47 of the ATM gene, results from the deletion of two nucleotides and insertion of two nucleotides causing a translational frameshift with a predicted alternate stop codon (p.C2337*). This alteration is expected to result in loss of function by premature protein truncation or nonsense-mediated mRNA decay. As such, this alteration is interpreted as a disease-causing mutation.

NM_000051.4(ATM):c.7011_7012delinsAA (p.Cys2337_Leu2338delinsTer)

Genes: ATM (ATM serine/threonine kinase; plus strand), C11orf65 (chromosome 11 open reading frame 65; minus strand). Cytogenetic location: 11q22.3.
Variant type: Indel.
Coding change: c.7011_7012delinsAA on transcript NM_000051.4 (MANE Select); coding-DNA positions 7011 to 7012, TC replaced by AA.
Protein change: p.Cys2337_Leu2338delinsTer.
Molecular consequence: nonsense. On other transcripts: intron variant (2).
Genome position (GRCh38, 1-based): chr11:108,327,680-108,327,681, TC replaced by AA. VCF-style: chr11-108327680-TC-AA. GRCh37 (hg19) VCF-style: chr11-108198407-TC-AA.
Other names: c.7011_7012delinsAA, p.Cys2337_Leu2338delinsTer (NM_001351834.2); c.641-18610_641-18609delinsTT (NM_001330368.2); c.*38+7539_*38+7540delinsTT (NM_001351110.2); short protein forms C2337*.
Identifiers: ClinVar variation 1756688 (VCV001756688.2), dbSNP rs2547232246, ClinGen allele CA2580083174.
Genomic context (GRCh38, chr11:108,327,680, plus strand): 5'-TTAAGATTTTGCCTTTCTTATACAGAACAATCCCAGCCTAAAACTTACATACACAGAATG[TC>AA]TGAGGGTTTGTGGCAACTGGTTAGCAGAAACGTGCTTAGAAAATCCTGCGGTCATCATGC-3'